The following is an entry in ClinVar:

NM_003126.4(SPTA1):c.915T>C (p.Ser305=)

Gene: SPTA1 (spectrin alpha, erythrocytic 1; minus strand). Cytogenetic location: 1q23.1.
Variant type: single nucleotide variant.
Coding change: c.915T>C on transcript NM_003126.4 (MANE Select); coding-DNA position 915, T replaced by C.
Protein change: p.Ser305=; no amino-acid change (serine 305 retained).
Molecular consequence: synonymous variant.
Genome position (GRCh38, 1-based): chr1:158,677,732, A>G on the plus strand (T>C on the coding strand, the complement: SPTA1 is on the minus strand). VCF-style: chr1-158677732-A-G. GRCh37 (hg19) VCF-style: chr1-158647522-A-G.
Other names: p.Ser305=.
Identifiers: ClinVar variation 258961 (VCV000258961.37), dbSNP rs703121, ClinGen allele CA1183977.

ClinVar aggregate classification (germline): Benign/Likely benign. Review status: criteria provided, multiple submitters, no conflicts (2 of 4 stars). 15 submissions from 11 submitters: Benign (12); Likely benign (1). 2 of the submissions do not count toward it. Last evaluated 2026-02-03.

Conditions:
Hereditary spherocytosis type 3. Also called: Spherocytosis type 3; SPTA1-Related Spherocytosis. Identifiers: Orphanet 822, MedGen C2678338, MONDO:0010053, OMIM 270970.
Elliptocytosis 2 (EL2). Also called: ELLIPTOCYTOSIS, RHESUS-UNLINKED TYPE. Identifiers: Orphanet 288, MedGen C1851741, MONDO:0007533, OMIM 130600.
Pyropoikilocytosis, hereditary. Also called: Pyropoikilocytosis. Identifiers: MedGen C0520739, MONDO:0009948, OMIM 266140, HP:0004839. Disease mechanism: loss of function.

Allele frequency attached by ClinVar (database versions not stated): 1000 Genomes Project 30x 0.45003; 1000 Genomes Project 0.45387; ESP Exome Variant Server 0.47773; TOPMed 0.48590; gnomAD 0.49738 and 0.49909; ExAC 0.54491; gnomAD exomes 0.54995 and 0.57584.
gnomAD v4.1: 916,885 of 1,613,240 alleles (57%); highest among the groups gnomAD compares: Non-Finnish European, 59%; 265,416 homozygotes.

Submissions (15):

Labcorp Genetics (formerly Invitae), Labcorp
Classification: Benign. Last evaluated: 2026-02-03. Review status: criteria provided, single submitter. Criteria: Invitae Variant Classification Sherloc (09022015). Collection method: clinical testing. Allele origin: germline.

ARUP Laboratories, Molecular Genetics and Genomics, ARUP Laboratories
Classification: Benign. Last evaluated: 2025-07-31. Review status: criteria provided, single submitter. Criteria: ARUP Molecular Germline Variant Investigation Process 2024. Collection method: clinical testing. Allele origin: germline.

Blueprint Genetics
Classification: Likely benign. Last evaluated: 2024-11-26. Review status: criteria provided, single submitter. Criteria: ACMG Guidelines, 2015. Collection method: clinical testing. Allele origin: germline.

Genome-Nilou Lab
Classification: Benign for Pyropoikilocytosis, hereditary. Last evaluated: 2021-07-15. Review status: criteria provided, single submitter. Criteria: ACMG Guidelines, 2015. Collection method: clinical testing. Allele origin: germline. Affected: no.

Genome-Nilou Lab
Classification: Benign for Hereditary spherocytosis type 3. Last evaluated: 2021-07-15. Review status: criteria provided, single submitter. Criteria: ACMG Guidelines, 2015. Collection method: clinical testing. Allele origin: germline. Affected: no.

Genome-Nilou Lab
Classification: Benign for Elliptocytosis 2. Last evaluated: 2021-07-15. Review status: criteria provided, single submitter. Criteria: ACMG Guidelines, 2015. Collection method: clinical testing. Allele origin: germline. Affected: no.

GeneDx
Classification: Benign. Last evaluated: 2021-06-09. Review status: criteria provided, single submitter. Criteria: GeneDx Variant Classification Process June 2021. Collection method: clinical testing. Allele origin: germline. Affected: yes.

Illumina Laboratory Services, Illumina
Classification: Benign for Hereditary spherocytosis type 3. Last evaluated: 2018-01-13. Review status: criteria provided, single submitter. Criteria: ICSL Variant Classification Criteria 13 December 2019. Collection method: clinical testing. Allele origin: germline.
Comment: This variant was observed in the ICSL laboratory as part of a predisposition screen in an ostensibly healthy population. It had not been previously curated by ICSL or reported in the Human Gene Mutation Database (HGMD: prior to June 1st, 2018), and was therefore a candidate for classification through an automated scoring system. Utilizing variant allele frequency, disease prevalence and penetrance estimates, and inheritance mode, an automated score was calculated to assess if this variant is too frequent to cause the disease. Based on the score and internal cut-off values, a variant classified as benign is not then subjected to further curation. The score for this variant resulted in a classification of benign for this disease.

Illumina Laboratory Services, Illumina
Classification: Benign for Pyropoikilocytosis, hereditary. Last evaluated: 2018-01-13. Review status: criteria provided, single submitter. Criteria: ICSL Variant Classification Criteria 13 December 2019. Collection method: clinical testing. Allele origin: germline.
Comment: the same text as in the submission from Illumina Laboratory Services, Illumina above.

Illumina Laboratory Services, Illumina
Classification: Benign for Elliptocytosis 2. Last evaluated: 2018-01-13. Review status: criteria provided, single submitter. Criteria: ICSL Variant Classification Criteria 13 December 2019. Collection method: clinical testing. Allele origin: germline.
Comment: the same text as in the submission from Illumina Laboratory Services, Illumina above.

Mayo Clinic Laboratories, Mayo Clinic
Classification: Benign. Last evaluated: 2016-04-16. Review status: criteria provided, single submitter. Criteria: ACMG Guidelines, 2015. Collection method: clinical testing. Allele origin: germline. Observed: 1,782 variant alleles.

Breakthrough Genomics
Classification: Benign. Review status: criteria provided, single submitter. Criteria: ACMG Guidelines, 2015. Collection method: not provided. Allele origin: germline. Inheritance: Autosomal recessive inheritance. Affected: yes.

PreventionGenetics, part of Exact Sciences
Classification: Benign. Review status: criteria provided, single submitter. Criteria: ACMG Guidelines, 2015. Collection method: clinical testing. Allele origin: germline.

Diagnostic Laboratory, Department of Genetics, University Medical Center Groningen
Classification: Benign. Review status: no assertion criteria provided. Collection method: clinical testing. Allele origin: germline. Affected: yes. Study: VKGL Data-share Consensus. Not counted in ClinVar's aggregate classification.

Genome Diagnostics Laboratory, University Medical Center Utrecht
Classification: Benign. Review status: no assertion criteria provided. Collection method: clinical testing. Allele origin: germline. Affected: yes. Study: VKGL Data-share Consensus. Not counted in ClinVar's aggregate classification.